The following is an entry in ClinVar:

ClinVar aggregate classification (germline): Uncertain significance (1 of 4 stars; one submission).

Submission:

Labcorp Genetics (formerly Invitae), Labcorp
Classification: Uncertain significance. Last evaluated: 2024-05-02. Review status: criteria provided, single submitter. Criteria: Invitae Variant Classification Sherloc (09022015). Collection method: clinical testing. Allele origin: germline.
Comment: This sequence change falls in intron 5 of the CD151 gene. It does not directly change the encoded amino acid sequence of the CD151 protein. This variant is present in population databases (rs372553196, gnomAD 0.01%). This variant has not been reported in the literature in individuals affected with CD151-related conditions. Algorithms developed to predict the effect of sequence changes on RNA splicing suggest that this variant may disrupt the consensus splice site. In summary, the available evidence is currently insufficient to determine the role of this variant in disease. Therefore, it has been classified as a Variant of Uncertain Significance.

NM_004357.5(CD151):c.352-9C>G

Gene: CD151 (CD151 molecule (Raph blood group); plus strand). Cytogenetic location: 11p15.5.
Variant type: single nucleotide variant.
Coding change: c.352-9C>G on transcript NM_004357.5 (MANE Select); 9 bases into the intron before coding-DNA position 352, C replaced by G.
Molecular consequence: intron variant.
Genome position (GRCh38, 1-based): chr11:837,241, C>G. VCF-style: chr11-837241-C-G. GRCh37 (hg19) VCF-style: chr11-837241-C-G.
Other names: c.352-9C>G (NM_139030.4, NM_139029.2, NM_001039490.2).
Identifiers: ClinVar variation 3715244 (VCV003715244.2).